The following is an entry in ClinVar:

NM_001378615.1(CC2D2A):c.1820T>C (p.Ile607Thr)

Genes: CC2D2A (coiled-coil and C2 domain containing 2A; plus strand), FBXL5 (F-box and leucine rich repeat protein 5; minus strand). Cytogenetic location: 4p15.32.
Variant type: single nucleotide variant.
Coding change: c.1820T>C on transcript NM_001378615.1 (MANE Select); coding-DNA position 1820, T replaced by C.
Protein change: p.Ile607Thr; replaces isoleucine 607 with threonine.
Molecular consequence: missense variant.
Genome position (GRCh38, 1-based): chr4:15,537,954, T>C. VCF-style: chr4-15537954-T-C. GRCh37 (hg19) VCF-style: chr4-15539577-T-C.
Other names: c.1820T>C, p.Ile607Thr (NM_001080522.2); c.1673T>C, p.Ile558Thr (NM_001378617.1); short protein forms I607T, I558T.
Identifiers: ClinVar variation 960694 (VCV000960694.8), dbSNP rs771221391, ClinGen allele CA2863777.

ClinVar aggregate classification (germline): Uncertain significance. Review status: criteria provided, multiple submitters, no conflicts (2 of 4 stars). 2 submissions from 2 submitters: Uncertain significance (2). Last evaluated 2024-04-29.

Conditions:
Meckel-Gruber syndrome. Also called: Dysencephalia splachnocystica; DYSENCEPHALIA SPLANCHNOCYSTICA; GRUBER SYNDROME. Identifiers: Orphanet 564, MedGen C0265215, MONDO:0018921.
Joubert syndrome. Also called: Familial aplasia of the vermis; JOUBERT-BOLTSHAUSER SYNDROME. Identifiers: Orphanet 475, MedGen C5979921, MONDO:0018772.
Meckel syndrome, type 6. Identifiers: Orphanet 564, MedGen C2676790, MONDO:0012848, OMIM 612284.
Joubert syndrome 9 (JBTS9). Identifiers: Orphanet 2318, MedGen C2676788, MONDO:0012849, OMIM 612285.
Retinitis pigmentosa 93. Identifiers: MedGen C5676970, MONDO:0030797, OMIM 619845.
COACH syndrome 2. Identifiers: MedGen C5436837, MONDO:0030859, OMIM 619111.

Allele frequency attached by ClinVar (database versions not stated): gnomAD exomes 0.00001 and 0.00003; gnomAD 0.00002; TOPMed 0.00003; ExAC 0.00004.
gnomAD v4.1: 50 of 1,610,014 alleles (0.0031%); highest among the groups gnomAD compares: African/African-American, 0.004%; no homozygotes.

Submissions (2):

Fulgent Genetics
Classification: Uncertain significance for Meckel syndrome, type 6; Joubert syndrome 9; COACH syndrome 2; Retinitis pigmentosa 93. Last evaluated: 2024-04-29. Review status: criteria provided, single submitter. Criteria: ACMG Guidelines, 2015. Collection method: clinical testing. Allele origin: germline.

Labcorp Genetics (formerly Invitae), Labcorp
Classification: Uncertain significance for Joubert syndrome; Meckel-Gruber syndrome. Last evaluated: 2021-08-31. Review status: criteria provided, single submitter. Criteria: Invitae Variant Classification Sherloc (09022015). Collection method: clinical testing. Allele origin: germline.
Comment: This sequence change replaces isoleucine with threonine at codon 607 of the CC2D2A protein (p.Ile607Thr). The isoleucine residue is weakly conserved and there is a moderate physicochemical difference between isoleucine and threonine. This variant is present in population databases (rs771221391, ExAC 0.02%). This variant has not been reported in the literature in individuals affected with CC2D2A-related conditions. Algorithms developed to predict the effect of missense changes on protein structure and function output the following: SIFT: "Tolerated"; PolyPhen-2: "Benign"; Align-GVGD: "Class C0". The threonine amino acid residue is found in multiple mammalian species, which suggests that this missense change does not adversely affect protein function. In summary, the available evidence is currently insufficient to determine the role of this variant in disease. Therefore, it has been classified as a Variant of Uncertain Significance.